The following is an entry in ClinVar:

NM_001007553.3(CSDE1):c.2320C>T (p.Arg774Cys)

Gene: CSDE1 (cold shock domain containing E1; minus strand). Cytogenetic location: 1p13.2.
Variant type: single nucleotide variant.
Coding change: c.2320C>T on transcript NM_001007553.3 (MANE Select); coding-DNA position 2320, C replaced by T.
Protein change: p.Arg774Cys; replaces arginine 774 with cysteine.
Molecular consequence: missense variant.
Genome position (GRCh38, 1-based): chr1:114,718,642, G>A on the plus strand (C>T on the coding strand, the complement: CSDE1 is on the minus strand). VCF-style: chr1-114718642-G-A. GRCh37 (hg19) VCF-style: chr1-115261263-G-A.
Other names: c.2365C>T, p.Arg789Cys (NM_001130523.3); c.2458C>T, p.Arg820Cys (NM_001242891.2); c.2320C>T, p.Arg774Cys (NM_001242892.2); c.2227C>T, p.Arg743Cys (NM_001242893.2, NM_007158.6); short protein forms R743C, R774C, R789C, R820C.
Identifiers: ClinVar variation 1801059 (VCV001801059.1), dbSNP rs2526475129, ClinGen allele CA341744931.

ClinVar aggregate classification (germline): Uncertain significance (1 of 4 stars; one submission).

Allele frequency attached by ClinVar (database versions not stated): gnomAD exomes below 0.00001.
gnomAD v4.1: 1 of 1,614,112 alleles (0.000062%); highest among the groups gnomAD compares: Non-Finnish European, 0.000085%; no homozygotes.

Submission:

GeneDx
Classification: Uncertain significance. Last evaluated: 2022-05-25. Review status: criteria provided, single submitter. Criteria: GeneDx Variant Classification Process June 2021. Collection method: clinical testing. Allele origin: germline. Affected: yes.
Comment: Not observed at significant frequency in large population cohorts (gnomAD); In silico analysis supports that this missense variant has a deleterious effect on protein structure/function; Has not been previously published as pathogenic or benign to our knowledge